The following is an entry in ClinVar:

NM_001330260.2(SCN8A):c.2685A>C (p.Gln895His)

Gene: SCN8A (sodium voltage-gated channel alpha subunit 8; plus strand). Cytogenetic location: 12q13.13.
Variant type: single nucleotide variant.
Coding change: c.2685A>C on transcript NM_001330260.2 (MANE Select); coding-DNA position 2685, A replaced by C.
Protein change: p.Gln895His; replaces glutamine 895 with histidine.
Molecular consequence: missense variant.
Genome position (GRCh38, 1-based): chr12:51,765,811, A>C. VCF-style: chr12-51765811-A-C. GRCh37 (hg19) VCF-style: chr12-52159595-A-C.
Other names: c.2685A>C, p.Gln895His (NM_001177984.3, NM_001369788.1, NM_014191.4); short protein forms Q895H.
Identifiers: ClinVar variation 2578435 (VCV002578435.2), dbSNP rs528126331, ClinGen allele CA384887756.

ClinVar aggregate classification (germline): Uncertain significance (1 of 4 stars; one submission).

Conditions:
Cognitive impairment with or without cerebellar ataxia (CIAT). Identifiers: MedGen C3280415, MONDO:0013680, OMIM 614306.

Submission:

Institute of Human Genetics, University of Leipzig Medical Center
Classification: Uncertain significance for Cognitive impairment with or without cerebellar ataxia. Last evaluated: 2023-08-02. Review status: criteria provided, single submitter. Criteria: ACMG Guidelines, 2015. Collection method: clinical testing. Allele origin: unknown. Inheritance: Autosomal dominant inheritance. Affected: yes.
Comment: Criteria applied: PM1,PM2_SUP,PP3